The following is an entry in ClinVar:

ClinVar aggregate classification (germline): Likely benign. Review status: criteria provided, multiple submitters, no conflicts (2 of 4 stars). 3 submissions from 3 submitters: Likely benign (3). Last evaluated 2026-05-11.

Conditions:
NPRL3-related disorder. Also called: NPRL3-related condition.
Epilepsy, familial focal, with variable foci 3 (FFEVF3). Identifiers: MedGen C4310708, MONDO:0014925, OMIM 617118.

gnomAD v4.1: 23 of 1,563,258 alleles (0.0015%); highest among the groups gnomAD compares: Admixed American, 0.0019%; no homozygotes.

Submissions (3):

PreventionGenetics, part of Exact Sciences
Classification: Likely benign for NPRL3-related condition. Last evaluated: 2026-05-11. Review status: criteria provided, single submitter. Criteria: ACMG Guidelines, 2015. Collection method: clinical testing. Allele origin: germline.
Comment: This variant is classified as likely benign based on ACMG/AMP sequence variant interpretation guidelines (Richards et al. 2015 PMID: 25741868, with internal and published modifications).

Labcorp Genetics (formerly Invitae), Labcorp
Classification: Likely benign for Epilepsy, familial focal, with variable foci 3. Last evaluated: 2024-10-22. Review status: criteria provided, single submitter. Criteria: Invitae Variant Classification Sherloc (09022015). Collection method: clinical testing. Allele origin: germline.

GeneDx
Classification: Likely benign. Last evaluated: 2021-08-25. Review status: criteria provided, single submitter. Criteria: GeneDx Variant Classification Process June 2021. Collection method: clinical testing. Allele origin: germline. Affected: yes.

NM_001077350.3(NPRL3):c.744C>A (p.Ile248=)

Genes: HBA-LCR (alpha-globin locus control region; plus strand), NPRL3 (NPR3 like, GATOR1 complex subunit; minus strand). Cytogenetic location: 16p13.3.
Variant type: single nucleotide variant.
Coding change: c.744C>A on transcript NM_001077350.3 (MANE Select); coding-DNA position 744, C replaced by A.
Protein change: p.Ile248=; no amino-acid change (isoleucine 248 retained).
Molecular consequence: synonymous variant.
Genome position (GRCh38, 1-based): chr16:100,395, G>T on the plus strand (C>A on the coding strand, the complement: NPRL3 is on the minus strand). VCF-style: chr16-100395-G-T. GRCh37 (hg19) VCF-style: chr16-150393-G-T.
Other names: c.207C>A, p.Ile69= (NM_001039476.3); c.510C>A, p.Ile170= (NM_001243247.2); c.669C>A, p.Ile223= (NM_001243248.2, NM_001243249.2).
Identifiers: ClinVar variation 1121015 (VCV001121015.12), dbSNP rs375592476, ClinGen allele CA276411463.